The following is an entry in ClinVar:

NM_014846.4(WASHC5):c.3202A>T (p.Thr1068Ser)

Genes: WASHC5 (WASH complex subunit 5; minus strand), LOC126860498 (P300/CBP strongly-dependent group 1 enhancer GRCh37_chr8:126043836-126045035; plus strand). Cytogenetic location: 8q24.13.
Variant type: single nucleotide variant.
Coding change: c.3202A>T on transcript NM_014846.4 (MANE Select); coding-DNA position 3202, A replaced by T.
Protein change: p.Thr1068Ser; replaces threonine 1068 with serine.
Molecular consequence: missense variant.
Genome position (GRCh38, 1-based): chr8:125,032,374, T>A on the plus strand (A>T on the coding strand, the complement: WASHC5 is on the minus strand). VCF-style: chr8-125032374-T-A. GRCh37 (hg19) VCF-style: chr8-126044616-T-A.
Other names: c.2758A>T, p.Thr920Ser (NM_001330609.2); short protein forms T920S, T1068S.
Identifiers: ClinVar variation 1375324 (VCV001375324.6), dbSNP rs2129964066, ClinGen allele CA372182211.

ClinVar aggregate classification (germline): Uncertain significance (1 of 4 stars; one submission).

Conditions:
Hereditary spastic paraplegia 8 (SPG8). Also called: SPASTIC PARAPLEGIA 8, AUTOSOMAL DOMINANT. Identifiers: Orphanet 100989, MedGen C1863704, MONDO:0011339, OMIM 603563.
Ritscher-Schinzel syndrome. Also called: CRANIOCEREBELLOCARDIAC DYSPLASIA. Identifiers: Orphanet 7, MedGen C0796137, MONDO:0019078.

Submission:

Labcorp Genetics (formerly Invitae), Labcorp
Classification: Uncertain significance for Ritscher-Schinzel syndrome; Hereditary spastic paraplegia 8. Last evaluated: 2022-11-08. Review status: criteria provided, single submitter. Criteria: Invitae Variant Classification Sherloc (09022015). Collection method: clinical testing. Allele origin: germline.
Comment: In summary, the available evidence is currently insufficient to determine the role of this variant in disease. Therefore, it has been classified as a Variant of Uncertain Significance. Advanced modeling of protein sequence and biophysical properties (such as structural, functional, and spatial information, amino acid conservation, physicochemical variation, residue mobility, and thermodynamic stability) performed at Invitae indicates that this missense variant is not expected to disrupt WASHC5 protein function. ClinVar contains an entry for this variant (Variation ID: 1375324). This variant has not been reported in the literature in individuals affected with WASHC5-related conditions. This variant is not present in population databases (gnomAD no frequency). This sequence change replaces threonine, which is neutral and polar, with serine, which is neutral and polar, at codon 1068 of the WASHC5 protein (p.Thr1068Ser).